The following is an entry in ClinVar:

ClinVar aggregate classification (germline): Pathogenic (1 of 4 stars; one submission).

Conditions:
Hereditary breast ovarian cancer syndrome. Also called: Hereditary breast and ovarian cancer; Hereditary breast and ovarian cancer syndrome (HBOC); Breast and ovarian cancer; Hereditary breast and ovarian cancer syndrome; Hereditary breast and/or ovarian cancer syndrome; BRCA1- and BRCA2-Associated Hereditary Breast and Ovarian Cancer. Identifiers: Orphanet 145, MedGen C0677776, MeSH D061325, MONDO:0003582. Disease mechanism: loss of function.

Submission:

Labcorp Genetics (formerly Invitae), Labcorp
Classification: Pathogenic for Hereditary breast ovarian cancer syndrome. Last evaluated: 2021-01-19. Review status: criteria provided, single submitter. Criteria: Invitae Variant Classification Sherloc (09022015). Collection method: clinical testing. Allele origin: germline.
Comment: For these reasons, this variant has been classified as Pathogenic. This variant has been observed in individual(s) with personal and/or family history of breast cancer (PMID: 30159786). This variant is not present in population databases (ExAC no frequency). This sequence change creates a premature translational stop signal (p.Asp1769Ilefs*8) in the BRCA2 gene. It is expected to result in an absent or disrupted protein product. Loss-of-function variants in BRCA2 are known to be pathogenic (PMID: 20104584).

Literature cited by the submitters: PubMed 30159786; PubMed 20104584.

NM_000059.4(BRCA2):c.5305del (p.Asp1769fs)

Gene: BRCA2 (BRCA2 DNA repair associated; plus strand). Cytogenetic location: 13q13.1.
Variant type: Deletion.
Coding change: c.5305del on transcript NM_000059.4 (MANE Select); coding-DNA position 5305, one base deleted (G; older notation c.5305delG).
Protein change: p.Asp1769fs; shifts the reading frame from aspartic acid 1769.
Molecular consequence: frameshift variant.
Genome position (GRCh38, 1-based): chr13:32,339,660, G deleted. VCF-style (leftmost placement, unchanged base first): chr13-32339659-TG-T. GRCh37 (hg19) VCF-style: chr13-32913796-TG-T.
Other names: short protein forms D1769fs.
Identifiers: ClinVar variation 1455314 (VCV001455314.8), dbSNP rs2137516181, ClinGen allele CA2499222194.
Genomic context (GRCh38, chr13:32,339,659, plus strand): 5'-CTATTCCTACCATTCTGATGAGGTATATAATGATTCAGGATATCTCTCAAAAAATAAACT[TG>T]ATTCTGGTATTGAGCCAGTATTGAAGAATGTTGAAGATCAAAAAAACACTAGTTTTTCCA-3'